The following is an entry in ClinVar:

ClinVar aggregate classification (germline): Uncertain significance (1 of 4 stars; one submission).

Submission:

Labcorp Genetics (formerly Invitae), Labcorp
Classification: Uncertain significance. Last evaluated: 2022-05-29. Review status: criteria provided, single submitter. Criteria: Invitae Variant Classification Sherloc (09022015). Collection method: clinical testing. Allele origin: germline.
Comment: This variant is not present in population databases (gnomAD no frequency). Algorithms developed to predict the effect of missense changes on protein structure and function are either unavailable or do not agree on the potential impact of this missense change (SIFT: "Deleterious"; PolyPhen-2: "Probably Damaging"; Align-GVGD: "Class C0"). This variant has not been reported in the literature in individuals affected with GNB3-related conditions. This sequence change replaces arginine, which is basic and polar, with tryptophan, which is neutral and slightly polar, at codon 46 of the GNB3 protein (p.Arg46Trp). In summary, the available evidence is currently insufficient to determine the role of this variant in disease. Therefore, it has been classified as a Variant of Uncertain Significance.

NM_002075.4(GNB3):c.136C>T (p.Arg46Trp)

Gene: GNB3 (G protein subunit beta 3; plus strand). Cytogenetic location: 12p13.31.
Variant type: single nucleotide variant.
Coding change: c.136C>T on transcript NM_002075.4 (MANE Select); coding-DNA position 136, C replaced by T.
Protein change: p.Arg46Trp; replaces arginine 46 with tryptophan.
Molecular consequence: missense variant.
Genome position (GRCh38, 1-based): chr12:6,843,009, C>T. VCF-style: chr12-6843009-C-T. GRCh37 (hg19) VCF-style: chr12-6952173-C-T.
Other names: c.136C>T, p.Arg46Trp (NM_001297571.2); short protein forms R46W.
Identifiers: ClinVar variation 1954095 (VCV001954095.5), dbSNP rs1485871048, ClinGen allele CA383671658.
Genomic context (GRCh38, chr12:6,843,009, plus strand): 5'-TCAGTGCCCCTCTCTCTGCAGCTGGTGTCTGGCCTAGAGGTGGTGGGACGAGTCCAGATG[C>T]GGACGCGGCGGACGTTAAGGGGACACCTGGCCAAGATTTACGCCATGCACTGGGCCACTG-3'
Protein context (NP_002066.1, residues 36-56): GLEVVGRVQM[Arg46Trp]TRRTLRGHLA